The following is an entry in ClinVar:

NM_032656.4(DHX37):c.1283C>T (p.Pro428Leu)

Gene: DHX37 (DEAH-box helicase 37; minus strand). Cytogenetic location: 12q24.31.
Variant type: single nucleotide variant.
Coding change: c.1283C>T on transcript NM_032656.4 (MANE Select); coding-DNA position 1283, C replaced by T.
Protein change: p.Pro428Leu; replaces proline 428 with leucine.
Molecular consequence: missense variant.
Genome position (GRCh38, 1-based): chr12:124,968,877, G>A on the plus strand (C>T on the coding strand, the complement: DHX37 is on the minus strand). VCF-style: chr12-124968877-G-A. GRCh37 (hg19) VCF-style: chr12-125453423-G-A.
Other names: short protein forms P428L.
Identifiers: ClinVar variation 2245496 (VCV002245496.3), dbSNP rs766672697, ClinGen allele CA6872122.

ClinVar aggregate classification (germline): Uncertain significance. Review status: criteria provided, multiple submitters, no conflicts (2 of 4 stars). 2 submissions from 2 submitters: Uncertain significance (2). Last evaluated 2025-05-11.

Conditions:
Inborn genetic diseases. Identifiers: MedGen C0950123, MeSH D030342.

Allele frequency attached by ClinVar (database versions not stated): gnomAD exomes 0.00002; ExAC 0.00001; TOPMed 0.00002.
gnomAD v4.1: 23 of 1,614,080 alleles (0.0014%); highest among the groups gnomAD compares: East Asian, 0.022%; no homozygotes.

Submissions (2):

Labcorp Genetics (formerly Invitae), Labcorp
Classification: Uncertain significance. Last evaluated: 2025-05-11. Review status: criteria provided, single submitter. Criteria: Invitae Variant Classification Sherloc (09022015). Collection method: clinical testing. Allele origin: germline.
Comment: This sequence change replaces proline, which is neutral and non-polar, with leucine, which is neutral and non-polar, at codon 428 of the DHX37 protein (p.Pro428Leu). The frequency data for this variant in the population databases is considered unreliable, as metrics indicate poor data quality at this position in the gnomAD database. This variant has not been reported in the literature in individuals affected with DHX37-related conditions. ClinVar contains an entry for this variant (Variation ID: 2245496). Invitae Evidence Modeling of protein sequence and biophysical properties (such as structural, functional, and spatial information, amino acid conservation, physicochemical variation, residue mobility, and thermodynamic stability) indicates that this missense variant is not expected to disrupt DHX37 protein function with a negative predictive value of 80%. In summary, the available evidence is currently insufficient to determine the role of this variant in disease. Therefore, it has been classified as a Variant of Uncertain Significance.

Ambry Genetics
Classification: Uncertain significance for Inborn genetic diseases. Last evaluated: 2021-08-16. Review status: criteria provided, single submitter. Criteria: Ambry Variant Classification Scheme 2023. Collection method: clinical testing. Allele origin: germline.